The following is an entry in ClinVar:

ClinVar aggregate classification (germline): Uncertain significance (1 of 4 stars; one submission).

Allele frequency attached by ClinVar (database versions not stated): gnomAD 0.00001; gnomAD exomes 0.00001; ExAC 0.00002; TOPMed 0.00002.
gnomAD v4.1: 13 of 1,612,474 alleles (0.00081%); highest among the groups gnomAD compares: East Asian, 0.029%; 1 homozygote.

Submission:

GeneDx
Classification: Uncertain significance. Last evaluated: 2023-03-28. Review status: criteria provided, single submitter. Criteria: GeneDx Variant Classification Process June 2021. Collection method: clinical testing. Allele origin: germline. Affected: yes.
Comment: Has not been previously published as pathogenic or benign to our knowledge; In silico analysis suggests this variant may impact gene splicing. In the absence of RNA/functional studies, the actual effect of this sequence change is unknown.

NM_004247.4(EFTUD2):c.2260-9T>A

Gene: EFTUD2 (elongation factor Tu GTP binding domain containing 2; minus strand). Cytogenetic location: 17q21.31.
Variant type: single nucleotide variant.
Coding change: c.2260-9T>A on transcript NM_004247.4 (MANE Select); 9 bases into the intron before coding-DNA position 2260, T replaced by A.
Molecular consequence: intron variant.
Genome position (GRCh38, 1-based): chr17:44,854,365, A>T on the plus strand (T>A on the coding strand, the complement: EFTUD2 is on the minus strand). VCF-style: chr17-44854365-A-T. GRCh37 (hg19) VCF-style: chr17-42931733-A-T.
Other names: c.2155-9T>A (NM_001142605.2); c.2230-9T>A (NM_001258354.2); c.2260-9T>A (NM_001258353.2).
Identifiers: ClinVar variation 2581824 (VCV002581824.1), dbSNP rs762093105, ClinGen allele CA8607523.